The following is an entry in ClinVar:

NM_000360.4(TH):c.643C>T (p.His215Tyr)

Gene: TH (tyrosine hydroxylase; minus strand). Cytogenetic location: 11p15.5.
Variant type: single nucleotide variant.
Coding change: c.643C>T on transcript NM_000360.4 (MANE Select); coding-DNA position 643, C replaced by T.
Protein change: p.His215Tyr; replaces histidine 215 with tyrosine.
Molecular consequence: missense variant.
Genome position (GRCh38, 1-based): chr11:2,167,867, G>A on the plus strand (C>T on the coding strand, the complement: TH is on the minus strand). VCF-style: chr11-2167867-G-A. GRCh37 (hg19) VCF-style: chr11-2189097-G-A.
Other names: c.736C>T, p.His246Tyr (NM_199292.3); c.724C>T, p.His242Tyr (NM_199293.3); short protein forms H242Y, H215Y, H246Y.
Identifiers: ClinVar variation 3599490 (VCV003599490.2).
Genomic context (GRCh38, chr11:2,167,867, plus strand): 5'-CCAGGTCCAGCGTCAGCCTGCAGGACGGAGTCTGGGTCCCGAGCGCAGGGGCCCCTCACT[G>A]CCTGTACTGGAAGGCGATCTCAGCAATCAGCTTCCTGCGCTGGCGGTACACCTGGTCCGA-3'
Protein context (NP_000351.2, residues 205-225): LIAEIAFQYR[His215Tyr]GDPIPRVEYT

ClinVar aggregate classification (germline): Conflicting classifications of pathogenicity. Review status: criteria provided, conflicting classifications (1 of 4 stars). 2 submissions from 2 submitters: Likely pathogenic (1); Uncertain significance (1). Last evaluated 2026-06-02.

Conditions:
TH-deficient dopa-responsive dystonia. Also called: Tyrosine Hydroxylase-Deficient Dopa-Responsive Dystonia; Segawa syndrome, autosomal recessive; DYT-TH. Identifiers: Orphanet 101150, MedGen C2673535, MONDO:0011551, OMIM 605407.

Submissions (2):

Myriad Genetics, Inc.
Classification: Uncertain significance for TH-deficient dopa-responsive dystonia. Last evaluated: 2026-06-02. Review status: criteria provided, single submitter. Criteria: Myriad Autosomal Dominant, Autosomal Recessive and X-Linked Classification Criteria (2023). Collection method: clinical testing. Allele origin: unknown.
Comment: NM_199292.2(TH):c.736C>T(H246Y) is a missense variant classified as a variant of uncertain significance in the context of tyrosine hydroxylase deficiency. H246Y has been observed in a case with relevant disease (PMID: 15747353). Relevant functional assessments of this variant are available in the literature (PMID: 38084654). H246Y has not been observed in referenced population frequency databases. In summary, there is insufficient evidence to classify NM_199292.2(TH):c.736C>T(H246Y) as pathogenic or benign. Please note: this variant was assessed in the context of healthy population screening.

Fulgent Genetics
Classification: Likely pathogenic for TH-deficient dopa-responsive dystonia. Last evaluated: 2024-05-27. Review status: criteria provided, single submitter. Criteria: ACMG Guidelines, 2015. Collection method: clinical testing. Allele origin: germline.

Literature cited by the submitters: PubMed 15747353 (cited by Myriad Genetics, Inc.); PubMed 38084654 (cited by Myriad Genetics, Inc.).